The following is an entry in ClinVar:

ClinVar aggregate classification (germline): Conflicting classifications of pathogenicity. Review status: criteria provided, conflicting classifications (1 of 4 stars). 3 submissions from 3 submitters: Pathogenic (2); Uncertain significance (1). Last evaluated 2024-11-14.

Conditions:
Optic atrophy. Identifiers: MedGen C0029124, MONDO:0003608, HP:0000648.
ABCA4-related disorder. Also called: ABCA4-related disorders; ABCA4-related condition. Identifiers: MedGen CN239167.

Allele frequency attached by ClinVar (database versions not stated): gnomAD exomes below 0.00001.
gnomAD v4.1: 5 of 1,614,052 alleles (0.00031%); highest among the groups gnomAD compares: Non-Finnish European, 0.00042%; no homozygotes.

Submissions (3):

Blueprint Genetics
Classification: Pathogenic for ABCA4-related disorders. Last evaluated: 2024-11-14. Review status: criteria provided, single submitter. Criteria: ACMG Guidelines, 2015. Collection method: clinical testing. Allele origin: germline. Affected: yes. Observed: 4 variant alleles.

Institute of Human Genetics, Univ. Regensburg, Univ. Regensburg
Classification: Pathogenic for Optic atrophy. Last evaluated: 2023-01-01. Review status: criteria provided, single submitter. Criteria: ACMG Guidelines, 2015. Collection method: clinical testing. Allele origin: germline. Affected: yes.

Labcorp Genetics (formerly Invitae), Labcorp
Classification: Uncertain significance. Last evaluated: 2022-09-27. Review status: criteria provided, single submitter. Criteria: Invitae Variant Classification Sherloc (09022015). Collection method: clinical testing. Allele origin: germline.
Comment: This sequence change replaces glutamic acid, which is acidic and polar, with aspartic acid, which is acidic and polar, at codon 1271 of the ABCA4 protein (p.Glu1271Asp). RNA analysis indicates that this missense change induces altered splicing and likely results in the loss of 2 amino acid residue(s), but is expected to preserve the integrity of the reading-frame. This variant is not present in population databases (gnomAD no frequency). This variant has not been reported in the literature in individuals affected with ABCA4-related conditions. Algorithms developed to predict the effect of missense changes on protein structure and function (SIFT, PolyPhen-2, Align-GVGD) all suggest that this variant is likely to be disruptive. Variants that disrupt the consensus splice site are a relatively common cause of aberrant splicing (PMID: 17576681, 9536098). Studies have shown that this missense change results in the activation of a cryptic splice site in exon 25 (PMID: 29162642). In summary, the available evidence is currently insufficient to determine the role of this variant in disease. Therefore, it has been classified as a Variant of Uncertain Significance.

Literature cited by the submitters: PubMed 25444351 (cited by Institute of Human Genetics, Univ. Regensburg, Univ. Regensburg); PubMed 29162642 (cited by Institute of Human Genetics, Univ. Regensburg, Univ. Regensburg and Labcorp Genetics (formerly Invitae), Labcorp); PubMed 32307445 (cited by Institute of Human Genetics, Univ. Regensburg, Univ. Regensburg); PubMed 35260635 (cited by Institute of Human Genetics, Univ. Regensburg, Univ. Regensburg); PubMed 36460718 (cited by Institute of Human Genetics, Univ. Regensburg, Univ. Regensburg); PubMed 17576681 (cited by Labcorp Genetics (formerly Invitae), Labcorp); PubMed 9536098 (cited by Labcorp Genetics (formerly Invitae), Labcorp).

NM_000350.3(ABCA4):c.3813G>C (p.Glu1271Asp)

Genes: ABCA4 (ATP binding cassette subfamily A member 4; minus strand), LOC126805794 (BRD4-independent group 4 enhancer GRCh37_chr1:94502188-94503387; plus strand). Cytogenetic location: 1p22.1.
Variant type: single nucleotide variant.
Coding change: c.3813G>C on transcript NM_000350.3 (MANE Select); coding-DNA position 3813, G replaced by C.
Protein change: p.Glu1271Asp; replaces glutamic acid 1271 with aspartic acid.
Molecular consequence: missense variant.
Genome position (GRCh38, 1-based): chr1:94,037,145, C>G on the plus strand (G>C on the coding strand, the complement: ABCA4 is on the minus strand). VCF-style: chr1-94037145-C-G. GRCh37 (hg19) VCF-style: chr1-94502701-C-G.
Other names: c.3591G>C, p.Glu1197Asp (NM_001425324.1); short protein forms E1271D, E1197D.
Identifiers: ClinVar variation 2202789 (VCV002202789.3), dbSNP rs886044737, ClinGen allele CA341288628.